The following is an entry in ClinVar:

NM_004539.4(NARS1):c.311A>G (p.Lys104Arg)

Gene: NARS1 (asparaginyl-tRNA synthetase 1; minus strand). Cytogenetic location: 18q21.31.
Variant type: single nucleotide variant.
Coding change: c.311A>G on transcript NM_004539.4 (MANE Select); coding-DNA position 311, A replaced by G.
Protein change: p.Lys104Arg; replaces lysine 104 with arginine.
Molecular consequence: missense variant.
Genome position (GRCh38, 1-based): chr18:57,615,672, T>C on the plus strand (A>G on the coding strand, the complement: NARS1 is on the minus strand). VCF-style: chr18-57615672-T-C. GRCh37 (hg19) VCF-style: chr18-55282904-T-C.
Other names: short protein forms K104R.
Identifiers: ClinVar variation 2634674 (VCV002634674.2), dbSNP rs1189418045, ClinGen allele CA402553172.
Genomic context (GRCh38, chr18:57,615,672, plus strand): 5'-ACGGTATTTGAAAAGATAAACAAACTTACACATTTTGGCTCTGGGAGACTTGGATCATTT[T>C]TAATGGTAATCTTCTTTGCTTCTTCCAGGTTCTTTTCTCTTCGTAAACTATCTTCTGCCT-3'
Protein context (NP_004530.1, residues 94-114): NLEEAKKITI[Lys104Arg]NDPSLPEPKC

ClinVar aggregate classification (germline): Uncertain significance (1 of 4 stars; one submission).

Conditions:
NARS1-related disorder. Also called: NARS1-related condition.

Allele frequency attached by ClinVar (database versions not stated): gnomAD exomes below 0.00001; gnomAD 0.00001; TOPMed 0.00001.
gnomAD v4.1: 4 of 1,613,022 alleles (0.00025%); highest among the groups gnomAD compares: Non-Finnish European, 0.00034%; no homozygotes.

Submission:

PreventionGenetics, part of Exact Sciences
Classification: Uncertain significance for NARS1-related condition. Last evaluated: 2025-02-14. Review status: criteria provided, single submitter. Criteria: ACMG Guidelines, 2015. Collection method: clinical testing. Allele origin: germline.
Comment: The NARS1 c.311A>G variant is predicted to result in the amino acid substitution p.Lys104Arg. To our knowledge, this variant has not been reported in the literature or in a large population database (gnomAD), indicating this variant is rare. At this time, the clinical significance of this variant is uncertain due to the absence of conclusive functional and genetic evidence.